The following is an entry in ClinVar:

ClinVar aggregate classification (germline): Uncertain significance. Review status: criteria provided, multiple submitters, no conflicts (2 of 4 stars). 3 submissions from 3 submitters: Uncertain significance (3). Last evaluated 2025-05-08.

Conditions:
Charcot-Marie-Tooth disease axonal type 2C (HMSN2C). Also called: CHARCOT-MARIE-TOOTH DISEASE, AXONAL, AUTOSOMAL DOMINANT, TYPE 2C; Charcot-Marie-Tooth Neuropathy Type 2C; Charcot-Marie-Tooth Disease Type 2, TRPV4-Related (CMT2C). Identifiers: Orphanet 99937, MedGen C1853710, MONDO:0011633, OMIM 606071.

Allele frequency attached by ClinVar (database versions not stated): gnomAD exomes below 0.00001.
gnomAD v4.1: 3 of 1,614,188 alleles (0.00019%); highest among the groups gnomAD compares: Non-Finnish European, 0.00025%; no homozygotes.

Submissions (3):

Labcorp Genetics (formerly Invitae), Labcorp
Classification: Uncertain significance for Charcot-Marie-Tooth disease axonal type 2C. Last evaluated: 2025-05-08. Review status: criteria provided, single submitter. Criteria: Invitae Variant Classification Sherloc (09022015). Collection method: clinical testing. Allele origin: germline.
Comment: This sequence change replaces aspartic acid, which is acidic and polar, with valine, which is neutral and non-polar, at codon 167 of the TRPV4 protein (p.Asp167Val). This variant is not present in population databases (gnomAD no frequency). This variant has not been reported in the literature in individuals affected with TRPV4-related conditions. ClinVar contains an entry for this variant (Variation ID: 2118687). Invitae Evidence Modeling of protein sequence and biophysical properties (such as structural, functional, and spatial information, amino acid conservation, physicochemical variation, residue mobility, and thermodynamic stability) has been performed for this missense variant. However, the output from this modeling did not meet the statistical confidence thresholds required to predict the impact of this variant on TRPV4 protein function. In summary, the available evidence is currently insufficient to determine the role of this variant in disease. Therefore, it has been classified as a Variant of Uncertain Significance.

CeGaT Center for Human Genetics Tuebingen
Classification: Uncertain significance. Last evaluated: 2025-05-01. Review status: criteria provided, single submitter. Criteria: CeGaT Center For Human Genetics Tuebingen Variant Classification Criteria Version 2. Collection method: clinical testing. Allele origin: germline. Affected: yes. Observed: 1 variant allele.

Mayo Clinic Laboratories, Mayo Clinic
Classification: Uncertain significance. Last evaluated: 2023-11-21. Review status: criteria provided, single submitter. Criteria: ACMG Guidelines, 2015. Collection method: clinical testing. Allele origin: germline. Observed: 1 variant allele.
Comment: PM2_moderate

NM_021625.5(TRPV4):c.500A>T (p.Asp167Val)

Gene: TRPV4 (transient receptor potential cation channel subfamily V member 4; minus strand). Cytogenetic location: 12q24.11.
Variant type: single nucleotide variant.
Coding change: c.500A>T on transcript NM_021625.5 (MANE Select); coding-DNA position 500, A replaced by T.
Protein change: p.Asp167Val; replaces aspartic acid 167 with valine.
Molecular consequence: missense variant.
Genome position (GRCh38, 1-based): chr12:109,808,355, T>A on the plus strand (A>T on the coding strand, the complement: TRPV4 is on the minus strand). VCF-style: chr12-109808355-T-A. GRCh37 (hg19) VCF-style: chr12-110246160-T-A.
Other names: p.Asp167Val; c.500A>T, p.Asp167Val (NM_001177433.2, NM_147204.3, NM_001177428.2); c.398A>T, p.Asp133Val (NM_001177431.2); short protein forms D133V, D167V.
Identifiers: ClinVar variation 2118687 (VCV002118687.15), dbSNP rs2548786333, ClinGen allele CA386657086.